The following is an entry in ClinVar:

ClinVar aggregate classification (germline): Pathogenic (1 of 4 stars; one submission).

Conditions:
PRPH2-related disorder. Also called: PRPH2-related condition; PRPH2-related disorders. Identifiers: MedGen CN239395.

Submission:

Labcorp Genetics (formerly Invitae), Labcorp
Classification: Pathogenic for PRPH2-Related Disorders. Last evaluated: 2019-11-10. Review status: criteria provided, single submitter. Criteria: Invitae Variant Classification Sherloc (09022015). Collection method: clinical testing. Allele origin: germline.
Comment: This variant is a sub-genic deletion of the genomic region encompassing exon 2 of the PRPH2 gene. While this deletion is not anticipated to result in nonsense mediated decay, it is expected to create a truncated protein product. This variant has not been reported in the literature in individuals with PRPH2-related conditions. This variant disrupts the C-terminus of the PRPH2 protein. Other variant(s) that disrupt this region (p.Leu307Argfs*17) have been determined to be pathogenic (PMID: 22183351, 8019570, 24265693). This suggests that variants that disrupt this region of the protein are likely to be causative of disease. For these reasons, this variant has been classified as Pathogenic.

Literature cited by the submitters: PubMed 8019570; PubMed 24265693; PubMed 22183351.

NC_000006.12:g.(?_42704365)_(42704611_?)del

Gene: PRPH2 (peripherin 2; minus strand). Cytogenetic location: 6p21.1.
Variant type: Deletion.
Identifiers: ClinVar variation 831812 (VCV000831812.1).